The following is an entry in ClinVar:

NM_002485.5(NBN):c.1925A>G (p.Lys642Arg)

Gene: NBN (nibrin; minus strand). Cytogenetic location: 8q21.3.
Variant type: single nucleotide variant.
Coding change: c.1925A>G on transcript NM_002485.5 (MANE Select); coding-DNA position 1925, A replaced by G.
Protein change: p.Lys642Arg; replaces lysine 642 with arginine.
Molecular consequence: missense variant.
Genome position (GRCh38, 1-based): chr8:89,946,285, T>C on the plus strand (A>G on the coding strand, the complement: NBN is on the minus strand). VCF-style: chr8-89946285-T-C. GRCh37 (hg19) VCF-style: chr8-90958513-T-C.
Other names: c.1679A>G, p.Lys560Arg (NM_001024688.3); short protein forms K642R, K560R.
Identifiers: ClinVar variation 141169 (VCV000141169.37), dbSNP rs587781547, ClinGen allele CA164668.
Genomic context (GRCh38, chr8:89,946,285, plus strand): 5'-AGTGATCTAAATTCAGTCAATAACAGCTTTTTTGGAAGCATCTCACTATCATCCTGAAGT[T>C]TGTCATTGTTCTTAAATGGGGTTAAGATGGATAGGTAAGAAAGAGAAGAAATAACAAAGA-3'
Protein context (NP_002476.2, residues 632-652): WSAKEISNND[Lys642Arg]LQDDSEMLPK

ClinVar aggregate classification (germline): Uncertain significance. Review status: criteria provided, multiple submitters, no conflicts (2 of 4 stars). 10 submissions from 10 submitters: Uncertain significance (7). 3 of the submissions do not count toward it. Last evaluated 2025-10-09.

Conditions:
NBN-related disorder. Also called: NBN-related condition.
Acute lymphoid leukemia (ALL). Also called: Leukemia, acute lymphoblastic, somatic; Acute lymphoblastic leukemia; Acute lymphocytic leukemia; Lymphoblastic leukemia. Identifiers: Orphanet 513, MedGen C0023449, MONDO:0004967, OMIM 613065, HP:0006721.
Microcephaly, normal intelligence and immunodeficiency (NBS). Also called: IMMUNODEFICIENCY, MICROCEPHALY, AND CHROMOSOMAL INSTABILITY; SEEMANOVA SYNDROME II; Ataxia telangiectasia variant V1; Nijmegen breakage syndrome; Microcephaly with normal intelligence immunodeficiency and lymphoreticular malignancies; Nonsyndromal microcephaly autosomal recessive with normal intelligence. Identifiers: Orphanet 647, MedGen C0398791, MONDO:0009623, OMIM 251260.
Aplastic anemia. Identifiers: Orphanet 182040, Orphanet 88, MedGen C0002874, MONDO:0015909, OMIM 609135, HP:0001915.
Hereditary cancer-predisposing syndrome. Also called: Neoplastic Syndromes, Hereditary; Hereditary neoplastic syndrome; Hereditary Cancer Syndrome; Tumor predisposition. Identifiers: Orphanet 140162, MedGen C0027672, MeSH D009386, MONDO:0015356.
Prostate cancer. Also called: Malignant tumor of prostate. Identifiers: Orphanet 1331, MedGen C0376358, MONDO:0008315, HP:0012125.

Allele frequency attached by ClinVar (database versions not stated): TOPMed below 0.00001; ExAC 0.00001; gnomAD exomes 0.00002 and 0.00001.
gnomAD v4.1: 19 of 1,582,248 alleles (0.0012%); highest among the groups gnomAD compares: Admixed American, 0.005%; no homozygotes.

Submissions (10):

Quest Diagnostics Nichols Institute San Juan Capistrano
Classification: Uncertain significance. Last evaluated: 2025-10-09. Review status: criteria provided, single submitter. Criteria: Quest Diagnostics criteria. Collection method: clinical testing. Allele origin: unknown.
Comment: The NBN c.1925A>G (p.Lys642Arg) variant has been reported in the published literature in individuals with breast cancer (PMID: 29522266 (2018), 33471991 (2021), see LOVD), hereditary cancer syndromes (PMID: 36833268 (2023)), and in reportedly unaffected individuals (PMID: 33471991 (2021), see LOVD). The frequency of this variant in the general population (Genome Aggregation Database) is uninformative in the assessment of its pathogenicity. Analysis of this variant using bioinformatics tools for the prediction of the effect of amino acid changes on protein structure and function yielded predictions that this variant is benign. Based on the available information, we are unable to determine the clinical significance of this variant.

Labcorp Genetics (formerly Invitae), Labcorp
Classification: Uncertain significance for Microcephaly, normal intelligence and immunodeficiency. Last evaluated: 2024-12-15. Review status: criteria provided, single submitter. Criteria: Invitae Variant Classification Sherloc (09022015). Collection method: clinical testing. Allele origin: germline.
Comment: This sequence change replaces lysine, which is basic and polar, with arginine, which is basic and polar, at codon 642 of the NBN protein (p.Lys642Arg). This variant is present in population databases (rs587781547, gnomAD 0.009%). This missense change has been observed in individual(s) with clinical features of NBN-related conditions (PMID: 29522266, 36346689). ClinVar contains an entry for this variant (Variation ID: 141169). An algorithm developed to predict the effect of missense changes on protein structure and function outputs the following: PolyPhen-2: "Benign". The arginine amino acid residue is found in multiple mammalian species, which suggests that this missense change does not adversely affect protein function. In summary, the available evidence is currently insufficient to determine the role of this variant in disease. Therefore, it has been classified as a Variant of Uncertain Significance.

Ambry Genetics
Classification: Uncertain significance for Hereditary cancer-predisposing syndrome. Last evaluated: 2024-05-19. Review status: criteria provided, single submitter. Criteria: Ambry Variant Classification Scheme 2023. Collection method: clinical testing. Allele origin: germline.
Comment: The p.K642R variant (also known as c.1925A>G), located in coding exon 13 of the NBN gene, results from an A to G substitution at nucleotide position 1925. The lysine at codon 642 is replaced by arginine, an amino acid with highly similar properties. This alteration was detected in 1/5589 German BRCA1/2-negative probands with breast cancer (Hauke J et al. Cancer Med. 2018 04;7:1349-1358). This amino acid position is poorly conserved in available vertebrate species. In addition, this alteration is predicted to be tolerated by in silico analysis. Since supporting evidence is limited at this time, the clinical significance of this alteration remains unclear.

Fulgent Genetics
Classification: Uncertain significance for Microcephaly, normal intelligence and immunodeficiency; Aplastic anemia; Acute lymphoid leukemia. Last evaluated: 2024-01-11. Review status: criteria provided, single submitter. Criteria: ACMG Guidelines, 2015. Collection method: clinical testing. Allele origin: germline.

Women's Health and Genetics/Laboratory Corporation of America, LabCorp
Classification: Uncertain significance. Last evaluated: 2023-12-14. Review status: criteria provided, single submitter. Criteria: LabCorp Variant Classification Summary - May 2015. Collection method: clinical testing. Allele origin: germline.
Comment: Variant summary: NBN c.1925A>G (p.Lys642Arg) results in a conservative amino acid change in the encoded protein sequence. Five of five in-silico tools predict a benign effect of the variant on protein function. The variant allele was found at a frequency of 2e-05 in 251052 control chromosomes. The available data on variant occurrences in the general population are insufficient to allow any conclusion about variant significance. c.1925A>G has been reported in the literature in individuals from cancer cohort studies without strong evidence for causality (examples: Bova_2016, Belhadj_2023). These report(s) do not provide unequivocal conclusions about association of the variant with Hereditary Breast And Ovarian Cancer Syndrome. To our knowledge, no experimental evidence demonstrating an impact on protein function has been reported. The following publications have been ascertained in the context of this evaluation (PMID: 36346689, 27148588). Five submitters have cited clinical-significance assessments for this variant to ClinVar after 2014. All submitters classified the variant as uncertain significance. Based on the evidence outlined above, the variant was classified as uncertain significance.

Genome-Nilou Lab
Classification: Uncertain significance for Microcephaly, normal intelligence and immunodeficiency. Last evaluated: 2021-11-07. Review status: criteria provided, single submitter. Criteria: ACMG Guidelines, 2015. Collection method: clinical testing. Allele origin: germline. Affected: no.

Illumina Laboratory Services, Illumina
Classification: Uncertain significance for Microcephaly, normal intelligence and immunodeficiency. Last evaluated: 2018-01-13. Review status: criteria provided, single submitter. Criteria: ICSL Variant Classification Criteria 13 December 2019. Collection method: clinical testing. Allele origin: germline.

PreventionGenetics, part of Exact Sciences
Classification: Uncertain significance for NBN-related condition. Last evaluated: 2024-02-20. Review status: no assertion criteria provided. Collection method: clinical testing. Allele origin: germline. Not counted in ClinVar's aggregate classification.
Comment: The NBN c.1925A>G variant is predicted to result in the amino acid substitution p.Lys642Arg. To our knowledge, this variant has not been reported in the literature. This variant is reported in 0.0087% of alleles in individuals of Latino descent in gnomAD and is listed in ClinVar as a variant of uncertain significance. At this time, the clinical significance of this variant is uncertain due to the absence of conclusive functional and genetic evidence.

Natera, Inc.
Classification: Uncertain significance for Nijmegen breakage syndrome. Last evaluated: 2020-11-20. Review status: no assertion criteria provided. Collection method: clinical testing. Allele origin: germline. Not counted in ClinVar's aggregate classification.

Prostate Cancer Research Center, Institute of Biosciences and Medical Technology, University of Tampere
Classification: Uncertain significance for Prostate cancer. Review status: no assertion criteria provided. Collection method: research. Allele origin: somatic. Affected: yes. Observed: 1 variant allele. Not counted in ClinVar's aggregate classification.

Literature cited by the submitters: PubMed 33471991 (cited by Quest Diagnostics Nichols Institute San Juan Capistrano); PubMed 29522266 (cited by 3 submitters); PubMed 31206626 (cited by Quest Diagnostics Nichols Institute San Juan Capistrano); PubMed 36833268 (cited by Quest Diagnostics Nichols Institute San Juan Capistrano); PubMed 33339169 (cited by Quest Diagnostics Nichols Institute San Juan Capistrano); PubMed 36346689 (cited by 3 submitters); PubMed 27148588 (cited by Women's Health and Genetics/Laboratory Corporation of America, LabCorp).